The following is an entry in ClinVar:

ClinVar aggregate classification (germline): Pathogenic (1 of 4 stars; one submission).

Conditions:
Ehlers-Danlos syndrome, classic type, 1 (EDSCL1). Also called: EHLERS-DANLOS SYNDROME, GRAVIS TYPE; EHLERS-DANLOS SYNDROME, SEVERE CLASSIC TYPE; Ehlers-Danlos syndrome, type 1; Ehlers-Danlos Syndrome, Classic Type, COL5A1-Related; EDS I. Identifiers: MedGen C0268335, MONDO:0019567, OMIM 130000.

Submission:

Labcorp Genetics (formerly Invitae), Labcorp
Classification: Pathogenic for Ehlers-Danlos syndrome, classic type, 1. Last evaluated: 2021-03-15. Review status: criteria provided, single submitter. Criteria: Invitae Variant Classification Sherloc (09022015). Collection method: clinical testing. Allele origin: germline.
Comment: This variant has not been reported in the literature in individuals with COL5A1-related conditions. This variant is not present in population databases (ExAC no frequency). This sequence change creates a premature translational stop signal (p.Pro1536Alafs*10) in the COL5A1 gene. It is expected to result in an absent or disrupted protein product. Loss-of-function variants in COL5A1 are known to be pathogenic (PMID: 23587214). For these reasons, this variant has been classified as Pathogenic.

Literature cited by the submitters: PubMed 23587214.

NM_000093.5(COL5A1):c.4604dup (p.Pro1536fs)

Genes: COL5A1 (collagen type V alpha 1 chain; plus strand), LOC101448202 (uncharacterized LOC101448202; minus strand). Cytogenetic location: 9q34.3.
Variant type: Duplication.
Coding change: c.4604dup on transcript NM_000093.5 (MANE Select); coding-DNA position 4604, one base duplicated (T; older notation c.4604dupT).
Protein change: p.Pro1536fs; shifts the reading frame from proline 1536.
Molecular consequence: frameshift variant.
Genome position (GRCh38, 1-based): chr9:134,822,146, T duplicated. VCF-style (leftmost placement, unchanged base first): chr9-134822145-C-CT. GRCh37 (hg19) VCF-style: chr9-137713991-C-CT.
Other names: c.4604dup, p.Pro1536fs (NM_001278074.1); short protein forms P1536fs.
Identifiers: ClinVar variation 1406346 (VCV001406346.6), dbSNP rs2132874649, ClinGen allele CA2573144149.
Genomic context (GRCh38, chr9:134,822,145, plus strand): 5'-GGTCCTTTTCAGGGTATCACTGGTCCTTCTGGCCCGATTGGGCCTCCTGGGCCCCCTGGC[C>CT]TGCCGGTGTGTATCTGGGAGGGGCTTGGTCATTCCTGGGAGGGCAGGGAGGGTGGGGATA-3'